The following is an entry in ClinVar:

ClinVar aggregate classification (germline): Uncertain significance. Review status: criteria provided, multiple submitters, no conflicts (2 of 4 stars). 3 submissions from 3 submitters: Uncertain significance (3). Last evaluated 2024-10-07.

Allele frequency attached by ClinVar (database versions not stated): gnomAD exomes 0.00001; ExAC 0.00005; TOPMed 0.00006.
gnomAD v4.1: 24 of 1,596,768 alleles (0.0015%); highest among the groups gnomAD compares: Admixed American, 0.0034%; no homozygotes.

Submissions (3):

Labcorp Genetics (formerly Invitae), Labcorp
Classification: Uncertain significance. Last evaluated: 2024-10-07. Review status: criteria provided, single submitter. Criteria: Invitae Variant Classification Sherloc (09022015). Collection method: clinical testing. Allele origin: germline.
Comment: This sequence change replaces arginine, which is basic and polar, with histidine, which is basic and polar, at codon 1180 of the COL18A1 protein (p.Arg1180His). The frequency data for this variant in the population databases is considered unreliable, as metrics indicate poor data quality at this position in the gnomAD database. This variant has not been reported in the literature in individuals affected with COL18A1-related conditions. ClinVar contains an entry for this variant (Variation ID: 340267). Experimental studies and prediction algorithms are not available or were not evaluated, and the functional significance of this variant is currently unknown. In summary, the available evidence is currently insufficient to determine the role of this variant in disease. Therefore, it has been classified as a Variant of Uncertain Significance.

Blueprint Genetics
Classification: Uncertain significance. Last evaluated: 2022-09-02. Review status: criteria provided, single submitter. Criteria: ACMG Guidelines, 2015. Collection method: clinical testing. Allele origin: germline.

Revvity Omics, Revvity
Classification: Uncertain significance. Last evaluated: 2019-04-08. Review status: criteria provided, single submitter. Criteria: ACMG Guidelines, 2015. Collection method: clinical testing. Allele origin: germline.

NM_001379500.1(COL18A1):c.3548G>A (p.Arg1183His)

Genes: SLC19A1 (solute carrier family 19 member 1; minus strand), COL18A1 (collagen type XVIII alpha 1 chain; plus strand). Cytogenetic location: 21q22.3.
Variant type: single nucleotide variant.
Coding change: c.3548G>A on transcript NM_001379500.1 (MANE Select); coding-DNA position 3548, G replaced by A.
Protein change: p.Arg1183His; replaces arginine 1183 with histidine.
Molecular consequence: missense variant.
Genome position (GRCh38, 1-based): chr21:45,510,116, G>A. VCF-style: chr21-45510116-G-A. GRCh37 (hg19) VCF-style: chr21-46930030-G-A.
Other names: NM_130445.4:c.3539G>A; c.4079G>A, p.Arg1360His (NM_030582.4); c.4784G>A, p.Arg1595His (NM_130444.3); short protein forms R1360H, R1595H, R1183H.
Identifiers: ClinVar variation 340267 (VCV000340267.10), dbSNP rs770331440, ClinGen allele CA10067952.
Genomic context (GRCh38, chr21:45,510,116, plus strand): 5'-CCCCGCAGCTCCACCTGGTTGCGCTCAACAGCCCCCTGTCAGGCGGCATGCGGGGCATCC[G>A]CGGGGCCGACTTCCAGTGCTTCCAGCAGGCGCGGGCCGTGGGGCTGGCGGGCACCTTCCG-3'
Protein context (NP_001366429.1, residues 1173-1193): SPLSGGMRGI[Arg1183His]GADFQCFQQA